The following is an entry in ClinVar:

NM_206933.4(USH2A):c.14561del (p.Phe4854fs)

Gene: USH2A (usherin; minus strand). Cytogenetic location: 1q41.
Variant type: Deletion.
Coding change: c.14561del on transcript NM_206933.4 (MANE Select); coding-DNA position 14561, one base deleted (T; older notation c.14561delT).
Protein change: p.Phe4854fs; shifts the reading frame from phenylalanine 4854.
Molecular consequence: frameshift variant.
Genome position (GRCh38, 1-based): chr1:215,648,549, A deleted on the plus strand (T on the coding strand, the reverse complement: USH2A is on the minus strand); the first of 2 consecutive A bases (chr1:215,648,549-215,648,550); deleting either gives the same sequence. VCF-style (leftmost placement, unchanged base first): chr1-215648548-GA-G. GRCh37 (hg19) VCF-style: chr1-215821890-GA-G.
Other names: short protein forms F4854fs.
Identifiers: ClinVar variation 2711559 (VCV002711559.3), dbSNP rs2464815317, ClinGen allele CA2697554896.
Genomic context (GRCh38, chr1:215,648,548, plus strand): 5'-TGCCTTGTTAGTTTCTTCATCCTTCTGCCTGACCCATTACCTGTGAATGACACCATTGGG[GA>G]ACATGGGGGGACTCCACCGGAAGGAGGCCGTCCTTGAGGCCAGCGTCCCGATTTGTGGAG-3'

ClinVar aggregate classification (germline): Pathogenic (1 of 4 stars; one submission).

Submission:

Labcorp Genetics (formerly Invitae), Labcorp
Classification: Pathogenic. Last evaluated: 2024-01-26. Review status: criteria provided, single submitter. Criteria: Invitae Variant Classification Sherloc (09022015). Collection method: clinical testing. Allele origin: germline.
Comment: This sequence change creates a premature translational stop signal (p.Phe4854Serfs*30) in the USH2A gene. It is expected to result in an absent or disrupted protein product. Loss-of-function variants in USH2A are known to be pathogenic (PMID: 10729113, 10909849, 20507924, 25649381). This variant is not present in population databases (gnomAD no frequency). This variant has not been reported in the literature in individuals affected with USH2A-related conditions. For these reasons, this variant has been classified as Pathogenic.

Literature cited by the submitters: PubMed 10729113; PubMed 10909849; PubMed 20507924; PubMed 25649381.